The following is an entry in ClinVar:

ClinVar aggregate classification (germline): Uncertain significance (1 of 4 stars; one submission).

Submission:

GeneDx
Classification: Uncertain significance. Last evaluated: 2024-08-20. Review status: criteria provided, single submitter. Criteria: GeneDx Variant Classification Process June 2021. Collection method: clinical testing. Allele origin: germline. Affected: yes.
Comment: Not observed at significant frequency in large population cohorts (gnomAD); In silico analysis supports that this missense variant has a deleterious effect on protein structure/function; This variant is associated with the following publications: (PMID: 29419413, 29144511)

NM_017780.4(CHD7):c.3320C>T (p.Ala1107Val)

Gene: CHD7 (chromodomain helicase DNA binding protein 7; plus strand). Cytogenetic location: 8q12.2.
Variant type: single nucleotide variant.
Coding change: c.3320C>T on transcript NM_017780.4 (MANE Select); coding-DNA position 3320, C replaced by T.
Protein change: p.Ala1107Val; replaces alanine 1107 with valine.
Molecular consequence: missense variant. On other transcripts: intron variant (1).
Genome position (GRCh38, 1-based): chr8:60,823,958, C>T. VCF-style: chr8-60823958-C-T. GRCh37 (hg19) VCF-style: chr8-61736517-C-T.
Other names: c.1717-38271C>T (NM_001316690.1); short protein forms A1107V.
Identifiers: ClinVar variation 3764166 (VCV003764166.1).